The following is an entry in ClinVar:

NM_001199397.3(NEK1):c.1653C>T (p.Ala551=)

Gene: NEK1 (NIMA related kinase 1; minus strand). Cytogenetic location: 4q33.
Variant type: single nucleotide variant.
Coding change: c.1653C>T on transcript NM_001199397.3 (MANE Select); coding-DNA position 1653, C replaced by T.
Protein change: p.Ala551=; no amino-acid change (alanine 551 retained).
Molecular consequence: synonymous variant. On other transcripts: non-coding transcript variant (1).
Genome position (GRCh38, 1-based): chr4:169,537,821, G>A on the plus strand (C>T on the coding strand, the complement: NEK1 is on the minus strand). VCF-style: chr4-169537821-G-A. GRCh37 (hg19) VCF-style: chr4-170458972-G-A.
Other names: c.1521C>T, p.Ala507= (NM_001199398.3, NM_001199400.3); c.1446C>T, p.Ala482= (NM_001199399.3); c.1653C>T, p.Ala551= (NM_001374418.1, NM_001374419.1, NM_012224.4); c.1602C>T, p.Ala534= (NM_001374420.1); c.1527C>T, p.Ala509= (NM_001374421.1).
Identifiers: ClinVar variation 3058763 (VCV003058763.4), dbSNP rs571671888, ClinGen allele CA3137678.

ClinVar aggregate classification (germline): Likely benign. Review status: criteria provided, single submitter (1 of 4 stars). 2 submissions from 2 submitters: Likely benign (1). 1 of the submissions does not count toward it. Last evaluated 2025-01-11.

Conditions:
NEK1-related disorder. Also called: NEK1-related condition.
Short-rib thoracic dysplasia 6 with or without polydactyly (SRTD6). Also called: SHORT-RIB THORACIC DYSPLASIA 6 WITH POLYDACTYLY; SHORT-RIB THORACIC DYSPLASIA 6 WITHOUT POLYDACTYLY; Majewski Syndrome; POLYDACTYLY WITH NEONATAL CHONDRODYSTROPHY, TYPE II; SHORT RIB-POLYDACTYLY SYNDROME, TYPE IIA. Identifiers: MedGen C0024507, MONDO:0009894, OMIM 263520.

Allele frequency attached by ClinVar (database versions not stated): ExAC 0.00001; gnomAD 0.00001; gnomAD exomes 0.00001; TOPMed 0.00001; 1000 Genomes Project 30x 0.00016; 1000 Genomes Project 0.00020.
gnomAD v4.1: 10 of 1,611,918 alleles (0.00062%); highest among the groups gnomAD compares: East Asian, 0.0045%; no homozygotes.

Submissions (2):

Labcorp Genetics (formerly Invitae), Labcorp
Classification: Likely benign for Short-rib thoracic dysplasia 6 with or without polydactyly. Last evaluated: 2025-01-11. Review status: criteria provided, single submitter. Criteria: Invitae Variant Classification Sherloc (09022015). Collection method: clinical testing. Allele origin: germline.

PreventionGenetics, part of Exact Sciences
Classification: Likely benign for NEK1-related condition. Last evaluated: 2019-04-12. Review status: no assertion criteria provided. Collection method: clinical testing. Allele origin: germline. Not counted in ClinVar's aggregate classification.
Comment: This variant is classified as likely benign based on ACMG/AMP sequence variant interpretation guidelines (Richards et al. 2015 PMID: 25741868, with internal and published modifications).